The following is an entry in ClinVar:

ClinVar aggregate classification (germline): Uncertain significance. Review status: criteria provided, multiple submitters, no conflicts (2 of 4 stars). 3 submissions from 3 submitters: Uncertain significance (3). Last evaluated 2025-10-23.

Conditions:
Inborn genetic diseases. Identifiers: MedGen C0950123, MeSH D030342.

Allele frequency attached by ClinVar (database versions not stated): gnomAD exomes 0.00002; ExAC 0.00003; TOPMed 0.00003; gnomAD 0.00007; 1000 Genomes Project 0.00060; 1000 Genomes Project 30x 0.00062.
gnomAD v4.1: 42 of 1,614,044 alleles (0.0026%); highest among the groups gnomAD compares: East Asian, 0.029%; no homozygotes.

Submissions (3):

GeneDx
Classification: Uncertain significance. Last evaluated: 2025-10-23. Review status: criteria provided, single submitter. Criteria: GeneDx Variant Classification Process June 2021. Collection method: clinical testing. Allele origin: germline.
Comment: In silico analysis supports that this missense variant has a deleterious effect on protein structure/function; Has not been previously published as pathogenic or benign to our knowledge

Ambry Genetics
Classification: Uncertain significance for Inborn genetic diseases. Last evaluated: 2024-04-23. Review status: criteria provided, single submitter. Criteria: Ambry Variant Classification Scheme 2023. Collection method: clinical testing. Allele origin: germline.

Labcorp Genetics (formerly Invitae), Labcorp
Classification: Uncertain significance. Last evaluated: 2022-09-06. Review status: criteria provided, single submitter. Criteria: Invitae Variant Classification Sherloc (09022015). Collection method: clinical testing. Allele origin: germline.
Comment: This sequence change replaces arginine, which is basic and polar, with glutamine, which is neutral and polar, at codon 30 of the BSND protein (p.Arg30Gln). This variant is present in population databases (rs201119972, gnomAD 0.05%). This variant has not been reported in the literature in individuals affected with BSND-related conditions. Algorithms developed to predict the effect of missense changes on protein structure and function are either unavailable or do not agree on the potential impact of this missense change (SIFT: "Deleterious"; PolyPhen-2: "Benign"; Align-GVGD: "Class C0"). In summary, the available evidence is currently insufficient to determine the role of this variant in disease. Therefore, it has been classified as a Variant of Uncertain Significance.

NM_057176.3(BSND):c.89G>A (p.Arg30Gln)

Gene: BSND (barttin CLCNK type accessory subunit beta; plus strand). Cytogenetic location: 1p32.3.
Variant type: single nucleotide variant.
Coding change: c.89G>A on transcript NM_057176.3 (MANE Select); coding-DNA position 89, G replaced by A.
Protein change: p.Arg30Gln; replaces arginine 30 with glutamine.
Molecular consequence: missense variant.
Genome position (GRCh38, 1-based): chr1:54,999,275, G>A. VCF-style: chr1-54999275-G-A. GRCh37 (hg19) VCF-style: chr1-55464948-G-A.
Other names: c.89G>A (NM_057176.2); short protein forms R30Q.
Identifiers: ClinVar variation 2164393 (VCV002164393.4), dbSNP rs201119972, ClinGen allele CA871212.